The following is an entry in ClinVar:

NM_000346.4(SOX9):c.555del (p.Gln186fs)

Gene: SOX9 (SRY-box transcription factor 9; plus strand). Cytogenetic location: 17q24.3.
Variant type: Deletion.
Coding change: c.555del on transcript NM_000346.4 (MANE Select); coding-DNA position 555, one base deleted (G; older notation c.555delG).
Protein change: p.Gln186fs; shifts the reading frame from glutamine 186.
Molecular consequence: frameshift variant.
Genome position (GRCh38, 1-based): chr17:72,122,842, G deleted; the last of 3 consecutive G bases (chr17:72,122,840-72,122,842); deleting any one gives the same sequence. VCF-style (leftmost placement, unchanged base first): chr17-72122839-CG-C. GRCh37 (hg19) VCF-style: chr17-70118980-CG-C.
Other names: short protein forms Q186fs.
Identifiers: ClinVar variation 265652 (VCV000265652.2), dbSNP rs886039700, ClinGen allele CA10588669.

ClinVar aggregate classification (germline): Pathogenic (1 of 4 stars; one submission).

Submission:

GeneDx
Classification: Pathogenic. Last evaluated: 2016-07-28. Review status: criteria provided, single submitter. Criteria: GeneDx Variant Classification (06012015). Collection method: clinical testing. Allele origin: germline. Affected: yes.
Comment: The c.555delG pathogenic variant in the SOX9 gene causes a frameshift starting with codon Glutamine186, changes this amino acid to an Arginine residue and creates a premature Stop codon at position 33of the new reading frame, denoted p.Q186RfsX33. This pathogenic variant is predicted to cause lossof normal protein function either through protein truncation or nonsense-mediated mRNA decay. Thec.555delG variant was not observed in approximately 6500 individuals of European and AfricanAmerican ancestry in the NHLBI Exome Sequencing Project, indicating it is not a common benignvariant in these populations.